The following is an entry in ClinVar:

ClinVar aggregate classification (germline): Uncertain significance (1 of 4 stars; one submission).

Conditions:
VCAN-related disorder. Also called: VCAN-related condition.

gnomAD v4.1: 1 of 1,614,118 alleles (0.000062%); highest among the groups gnomAD compares: Admixed American, 0.0017%; no homozygotes.

Submission:

PreventionGenetics, part of Exact Sciences
Classification: Uncertain significance for VCAN-related condition. Last evaluated: 2025-05-29. Review status: criteria provided, single submitter. Criteria: ACMG Guidelines, 2015. Collection method: clinical testing. Allele origin: germline.
Comment: The VCAN c.3091A>G variant is predicted to result in the amino acid substitution p.Thr1031Ala. To our knowledge, this variant has not been reported in the literature. This variant is present in 0.0029% of alleles in individuals of Latino descent in gnomAD. At this time, the clinical significance of this variant is uncertain due to the absence of conclusive functional and genetic evidence.

NM_004385.5(VCAN):c.3091A>G (p.Thr1031Ala)

Gene: VCAN (versican; plus strand). Cytogenetic location: 5q14.3.
Variant type: single nucleotide variant.
Coding change: c.3091A>G on transcript NM_004385.5 (MANE Select); coding-DNA position 3091, A replaced by G.
Protein change: p.Thr1031Ala; replaces threonine 1031 with alanine.
Molecular consequence: missense variant. On other transcripts: intron variant (2).
Genome position (GRCh38, 1-based): chr5:83,521,397, A>G. VCF-style: chr5-83521397-A-G. GRCh37 (hg19) VCF-style: chr5-82817216-A-G.
Other names: c.3091A>G, p.Thr1031Ala (NM_001164098.2); c.1042+9001A>G (NM_001164097.2, NM_001126336.3); short protein forms T1031A.
Identifiers: ClinVar variation 5000356 (VCV005000356.1).
Genomic context (GRCh38, chr5:83,521,397, plus strand): 5'-CGCCTTGAAGCGACTATTTCTCCAGAAACTATGAGAACAACAAAAATCACAGAGGGAACA[A>G]CTCAGGAAGAATTCCCTTGGAAAGAACAGACTGCAGAGAAACCAGTTCCTGCTCTCAGTT-3'
Protein context (NP_004376.2, residues 1021-1041): MRTTKITEGT[Thr1031Ala]QEEFPWKEQT